The following is an entry in ClinVar:

ClinVar aggregate classification (germline): Uncertain significance. Review status: criteria provided, multiple submitters, no conflicts (2 of 4 stars). 2 submissions from 2 submitters: Uncertain significance (2). Last evaluated 2025-08-20.

Conditions:
Hereditary cancer-predisposing syndrome. Also called: Neoplastic Syndromes, Hereditary; Tumor predisposition; Hereditary neoplastic syndrome; Hereditary Cancer Syndrome. Identifiers: Orphanet 140162, MedGen C0027672, MeSH D009386, MONDO:0015356.

Allele frequency attached by ClinVar (database versions not stated): gnomAD 0.00001; TOPMed 0.00001.
gnomAD v4.1: 1 of 1,613,706 alleles (0.000062%); highest among the groups gnomAD compares: Non-Finnish European, 0.000085%; no homozygotes.

Submissions (2):

Ambry Genetics
Classification: Uncertain significance for Hereditary cancer-predisposing syndrome. Last evaluated: 2025-08-20. Review status: criteria provided, single submitter. Criteria: Ambry Variant Classification Scheme 2023. Collection method: clinical testing. Allele origin: germline.
Comment: The p.F1032L variant (also known as c.3096C>G), located in coding exon 22 of the MSH3 gene, results from a C to G substitution at nucleotide position 3096. The phenylalanine at codon 1032 is replaced by leucine, an amino acid with highly similar properties. This amino acid position is conserved. In addition, the in silico prediction for this alteration is inconclusive. Based on the available evidence, the clinical significance of this variant remains unclear.

Labcorp Genetics (formerly Invitae), Labcorp
Classification: Uncertain significance. Last evaluated: 2025-08-03. Review status: criteria provided, single submitter. Criteria: Invitae Variant Classification Sherloc (09022015). Collection method: clinical testing. Allele origin: germline.
Comment: This sequence change replaces phenylalanine, which is neutral and non-polar, with leucine, which is neutral and non-polar, at codon 1032 of the MSH3 protein (p.Phe1032Leu). This variant is not present in population databases (gnomAD no frequency). This variant has not been reported in the literature in individuals affected with MSH3-related conditions. ClinVar contains an entry for this variant (Variation ID: 643820). An algorithm developed to predict the effect of missense changes on protein structure and function (PolyPhen-2) suggests that this variant is likely to be disruptive. In summary, the available evidence is currently insufficient to determine the role of this variant in disease. Therefore, it has been classified as a Variant of Uncertain Significance.

NM_002439.5(MSH3):c.3096C>G (p.Phe1032Leu)

Gene: MSH3 (mutS homolog 3; plus strand). Cytogenetic location: 5q14.1.
Variant type: single nucleotide variant.
Coding change: c.3096C>G on transcript NM_002439.5 (MANE Select); coding-DNA position 3096, C replaced by G.
Protein change: p.Phe1032Leu; replaces phenylalanine 1032 with leucine.
Molecular consequence: missense variant.
Genome position (GRCh38, 1-based): chr5:80,864,908, C>G. VCF-style: chr5-80864908-C-G. GRCh37 (hg19) VCF-style: chr5-80160727-C-G.
Other names: short protein forms F1032L.
Identifiers: ClinVar variation 643820 (VCV000643820.14), dbSNP rs959058934, ClinGen allele CA121752177.
Genomic context (GRCh38, chr5:80,864,908, plus strand): 5'-GCCAGTTTGTGAACTAGAAAAAAATTACTCACACCAGGTGGGGAATTACCACATGGGATT[C>G]TTGGTCAGTGAGGATGAAAGCAAACTGGATCCAGGTATGAAATATTCCTGCAGTTGGTAC-3'
Protein context (NP_002430.3, residues 1022-1042): SHQVGNYHMG[Phe1032Leu]LVSEDESKLD